The following is an entry in ClinVar:

ClinVar aggregate classification (germline): Uncertain significance (1 of 4 stars; one submission).

Allele frequency attached by ClinVar (database versions not stated): TOPMed below 0.00001.

Submission:

GeneDx
Classification: Uncertain significance. Last evaluated: 2019-03-27. Review status: criteria provided, single submitter. Criteria: GeneDx Variant Classification Process June 2021. Collection method: clinical testing. Allele origin: germline. Affected: yes.
Comment: Not observed in large population cohorts (Lek et al., 2016); In silico analysis, which includes protein predictors and evolutionary conservation, supports that this variant does not alter protein structure/function; Has not been previously published as pathogenic or benign to our knowledge

NM_014846.4(WASHC5):c.1867G>A (p.Val623Met)

Gene: WASHC5 (WASH complex subunit 5; minus strand). Cytogenetic location: 8q24.13.
Variant type: single nucleotide variant.
Coding change: c.1867G>A on transcript NM_014846.4 (MANE Select); coding-DNA position 1867, G replaced by A.
Protein change: p.Val623Met; replaces valine 623 with methionine.
Molecular consequence: missense variant.
Genome position (GRCh38, 1-based): chr8:125,057,564, C>T on the plus strand (G>A on the coding strand, the complement: WASHC5 is on the minus strand). VCF-style: chr8-125057564-C-T. GRCh37 (hg19) VCF-style: chr8-126069806-C-T.
Other names: c.1423G>A, p.Val475Met (NM_001330609.2); short protein forms V475M, V623M.
Identifiers: ClinVar variation 1308260 (VCV001308260.2), dbSNP rs1816446344, ClinGen allele CA372191252.